The following is an entry in ClinVar:

NM_014874.4(MFN2):c.347T>C (p.Met116Thr)

Gene: MFN2 (mitofusin 2; plus strand). Cytogenetic location: 1p36.22.
Variant type: single nucleotide variant.
Coding change: c.347T>C on transcript NM_014874.4 (MANE Select); coding-DNA position 347, T replaced by C.
Protein change: p.Met116Thr; replaces methionine 116 with threonine.
Molecular consequence: missense variant.
Genome position (GRCh38, 1-based): chr1:11,996,191, T>C. VCF-style: chr1-11996191-T-C. GRCh37 (hg19) VCF-style: chr1-12056248-T-C.
Other names: c.347T>C, p.Met116Thr (NM_001127660.2); short protein forms M116T.
Identifiers: ClinVar variation 642299 (VCV000642299.8), dbSNP rs1569829691, ClinGen allele CA338434136.

ClinVar aggregate classification (germline): Uncertain significance (1 of 4 stars; one submission).

Conditions:
Charcot-Marie-Tooth disease type 2. Also called: Charcot-Marie-Tooth type 2. Identifiers: Orphanet 64746, MedGen C0270914, MONDO:0018993.

Allele frequency attached by ClinVar (database versions not stated): gnomAD exomes below 0.00001.

Submission:

Labcorp Genetics (formerly Invitae), Labcorp
Classification: Uncertain significance for Charcot-Marie-Tooth disease type 2. Last evaluated: 2023-08-17. Review status: criteria provided, single submitter. Criteria: Invitae Variant Classification Sherloc (09022015). Collection method: clinical testing. Allele origin: germline.
Comment: In summary, the available evidence is currently insufficient to determine the role of this variant in disease. Therefore, it has been classified as a Variant of Uncertain Significance. Advanced modeling of protein sequence and biophysical properties (such as structural, functional, and spatial information, amino acid conservation, physicochemical variation, residue mobility, and thermodynamic stability) performed at Invitae indicates that this missense variant is expected to disrupt MFN2 protein function. ClinVar contains an entry for this variant (Variation ID: 642299). This variant has not been reported in the literature in individuals affected with MFN2-related conditions. This variant is not present in population databases (gnomAD no frequency). This sequence change replaces methionine, which is neutral and non-polar, with threonine, which is neutral and polar, at codon 116 of the MFN2 protein (p.Met116Thr).